The following is an entry in ClinVar:

NM_001243279.3(ACSF3):c.1470G>C (p.Glu490Asp)

Gene: ACSF3 (acyl-CoA synthetase family member 3; plus strand). Cytogenetic location: 16q24.3.
Variant type: single nucleotide variant.
Coding change: c.1470G>C on transcript NM_001243279.3 (MANE Select); coding-DNA position 1470, G replaced by C.
Protein change: p.Glu490Asp; replaces glutamic acid 490 with aspartic acid.
Molecular consequence: missense variant. On other transcripts: non-coding transcript variant (4).
Genome position (GRCh38, 1-based): chr16:89,145,370, G>C. VCF-style: chr16-89145370-G-C. GRCh37 (hg19) VCF-style: chr16-89211778-G-C.
Other names: c.1470G>C, p.Glu490Asp (NM_001127214.4, NM_174917.5); c.675G>C, p.Glu225Asp (NM_001284316.2); short protein forms E490D, E225D.
Identifiers: ClinVar variation 377432 (VCV000377432.64), dbSNP rs147538370, ClinGen allele CA8238230.
Genomic context (GRCh38, chr16:89,145,370, plus strand): 5'-CCGGACCTCAGTGGACATCATCAAGACTGGAGGCTACAAGGTCAGCGCCCTGGAGGTGGA[G>C]TGGCACCTGCTGGCCCACCCCAGCATCACAGGTGCGTGGCCGGACTTGGGCCAGGGAGGC-3'
Protein context (NP_001230208.1, residues 480-500): GGYKVSALEV[Glu490Asp]WHLLAHPSIT

ClinVar aggregate classification (germline): Conflicting classifications of pathogenicity. Review status: criteria provided, conflicting classifications (1 of 4 stars). 12 submissions from 12 submitters: Pathogenic (2); Likely pathogenic (6); Uncertain significance (4). Last evaluated 2025-12-31.

Conditions:
ACSF3-related disorder. Also called: ACSF3-related condition.
Combined malonic and methylmalonic acidemia. Identifiers: Orphanet 289504, MedGen C3280314, MONDO:0013661, OMIM 614265.

Allele frequency attached by ClinVar (database versions not stated): gnomAD 0.00004 and 0.00010; TOPMed 0.00007; ESP Exome Variant Server 0.00008; gnomAD exomes 0.00024; ExAC 0.00025; 1000 Genomes Project 30x 0.00031; 1000 Genomes Project 0.00040.
gnomAD v4.1: 238 of 1,614,200 alleles (0.015%); highest among the groups gnomAD compares: Middle Eastern, 0.31%; no homozygotes.

Submissions (12):

Labcorp Genetics (formerly Invitae), Labcorp
Classification: Pathogenic for Combined malonic and methylmalonic acidemia. Last evaluated: 2025-12-31. Review status: criteria provided, single submitter. Criteria: Invitae Variant Classification Sherloc (09022015). Collection method: clinical testing. Allele origin: germline.
Comment: This sequence change replaces glutamic acid, which is acidic and polar, with aspartic acid, which is acidic and polar, at codon 490 of the ACSF3 protein (p.Glu490Asp). This variant is present in population databases (rs147538370, gnomAD 0.1%). This missense change has been observed in individuals with ACSF3-related conditions (PMID: 26827111, 30740739). ClinVar contains an entry for this variant (Variation ID: 377432). Invitae Evidence Modeling of protein sequence and biophysical properties (such as structural, functional, and spatial information, amino acid conservation, physicochemical variation, residue mobility, and thermodynamic stability) has been performed for this missense variant. However, the output from this modeling did not meet the statistical confidence thresholds required to predict the impact of this variant on ACSF3 protein function. For these reasons, this variant has been classified as Pathogenic.

Natera, Inc.
Classification: Likely pathogenic for Combined malonic and methylmalonic aciduria. Last evaluated: 2025-11-26. Review status: criteria provided, single submitter. Criteria: Natera Variant Classification Schema (03/2026). Collection method: clinical testing. Allele origin: germline.
Comment: The c.1470G>C variant in ACSF3 is a missense variant predicted to cause substitution of glutamic acid to aspartic acid at amino acid 490. This variant is rare in the general population with a frequency below the threshold expected for the associated phenotype(s). This variant has been observed in one or more individuals affected with the associated recessive disease, as either homozygous or compound heterozygous with a second variant (PMID: 26827111, 32980267, 30740739). This variant has been identified in one or more affected individual with a phenotype highly consistent with the associated gene (PMID: 26827111). Computational prediction algorithms indicate this variant is likely to affect gene or protein function. Given the available evidence, this variant is classified as Likely Pathogenic.

Women's Health and Genetics/Laboratory Corporation of America, LabCorp
Classification: Pathogenic for Combined malonic and methylmalonic acidemia. Last evaluated: 2025-05-20. Review status: criteria provided, single submitter. Criteria: LabCorp Variant Classification Summary - May 2015. Collection method: clinical testing. Allele origin: germline.
Comment: Variant summary: ACSF3 c.1470G>C (p.Glu490Asp) results in a conservative amino acid change located in the AMP-binding enzyme, C-terminal domain (IPR025110) of the encoded protein sequence. Algorithms developed to predict the effect of missense changes on protein structure and function are either unavailable or do not agree on the potential impact of this missense change. The variant allele was found at a frequency of 0.00024 in 251044 control chromosomes. This frequency is not significantly higher than estimated for a pathogenic variant in ACSF3 causing Combined Malonic And Methylmalonic Aciduria (0.00024 vs 0.0058), allowing no conclusion about variant significance. c.1470G>C has been observed in multiple individuals affected with Combined Malonic And Methylmalonic Aciduria (e.g. Pupavac_2016, Letova_2019, Forny_2023). These data indicate that the variant is very likely to be associated with disease. To our knowledge, no experimental evidence demonstrating an impact on protein function has been reported. The following publications have been ascertained in the context of this evaluation (PMID: 36978159, 36717752, 30740739, 26827111). ClinVar contains an entry for this variant (Variation ID: 377432). Based on the evidence outlined above, the variant was classified as pathogenic.

First Genomix Gene Laboratory, Genetic Diagnostics Department
Classification: Likely pathogenic for Combined malonic and methylmalonic acidemia. Last evaluated: 2025-05-05. Review status: criteria provided, single submitter. Criteria: ACMG Guidelines, 2015. Collection method: clinical testing. Allele origin: germline. Inheritance: Autosomal recessive inheritance. Affected: no. Observed: 1 variant allele.

Blueprint Genetics
Classification: Likely pathogenic for ACSF3-related disorders. Last evaluated: 2024-11-05. Review status: criteria provided, single submitter. Criteria: ACMG Guidelines, 2015. Collection method: clinical testing. Allele origin: germline. Affected: yes. Observed: 5 variant alleles.

Fulgent Genetics
Classification: Likely pathogenic for Combined malonic and methylmalonic acidemia. Last evaluated: 2024-06-18. Review status: criteria provided, single submitter. Criteria: ACMG Guidelines, 2015. Collection method: clinical testing. Allele origin: germline.

Baylor Genetics
Classification: Uncertain significance for Combined malonic and methylmalonic acidemia. Last evaluated: 2023-06-28. Review status: criteria provided, single submitter. Criteria: ACMG Guidelines, 2015. Collection method: clinical testing. Allele origin: unknown.

GeneDx
Classification: Uncertain significance. Last evaluated: 2021-10-11. Review status: criteria provided, single submitter. Criteria: GeneDx Variant Classification Process June 2021. Collection method: clinical testing. Allele origin: germline. Affected: yes.
Comment: Observed with a second ACSF3 variant in individuals with CMAMMA, but it is not known whether the variants occurred on the same (in cis) or on different (in trans) chromosomes (Levtova et al., 2018); In silico analysis supports that this missense variant has a deleterious effect on protein structure/function; This variant is associated with the following publications: (PMID: 26827111, 32980267, 29858964)

Genome-Nilou Lab
Classification: Uncertain significance for Combined malonic and methylmalonic acidemia. Last evaluated: 2021-07-14. Review status: criteria provided, single submitter. Criteria: ACMG Guidelines, 2015. Collection method: clinical testing. Allele origin: germline. Affected: no.

CeGaT Center for Human Genetics Tuebingen
Classification: Likely pathogenic. Last evaluated: 2021-06-01. Review status: criteria provided, single submitter. Criteria: CeGaT Center For Human Genetics Tuebingen Variant Classification Criteria Version 2. Collection method: clinical testing. Allele origin: germline. Affected: yes. Observed: 2 variant alleles.

Pars Genome Lab
Classification: Uncertain significance for Combined malonic and methylmalonic acidemia. Last evaluated: 2021-05-18. Review status: criteria provided, single submitter. Criteria: ACMG Guidelines, 2015. Collection method: clinical testing. Allele origin: germline. Affected: no.

Kariminejad - Najmabadi Pathology & Genetics Center
Classification: Likely pathogenic for Combined malonic and methylmalonic acidemia. Review status: criteria provided, single submitter. Criteria: ACMG Guidelines, 2015. Collection method: clinical testing. Allele origin: germline. Affected: no.

Literature cited by the submitters: PubMed 26827111 (cited by 3 submitters); PubMed 30740739 (cited by 3 submitters); PubMed 32980267 (cited by Natera, Inc.); PubMed 36717752 (cited by Women's Health and Genetics/Laboratory Corporation of America, LabCorp); PubMed 36978159 (cited by Women's Health and Genetics/Laboratory Corporation of America, LabCorp).